The following is an entry in ClinVar:

NM_007254.4(PNKP):c.877C>T (p.Arg293Cys)

Gene: PNKP (polynucleotide kinase 3'-phosphatase; minus strand). Cytogenetic location: 19q13.33.
Variant type: single nucleotide variant.
Coding change: c.877C>T on transcript NM_007254.4 (MANE Select); coding-DNA position 877, C replaced by T.
Protein change: p.Arg293Cys; replaces arginine 293 with cysteine.
Molecular consequence: missense variant.
Genome position (GRCh38, 1-based): chr19:49,862,597, G>A on the plus strand (C>T on the coding strand, the complement: PNKP is on the minus strand). VCF-style: chr19-49862597-G-A. GRCh37 (hg19) VCF-style: chr19-50365854-G-A.
Other names: short protein forms R293C.
Identifiers: ClinVar variation 5006026 (VCV005006026.2).
Genomic context (GRCh38, chr19:49,862,597, plus strand): 5'-CCAGGCGATCGGCGCAGGAGAAGTCTTTCTTCTTCCGCCCCGGGGCCCAGTTGGCCGGGC[G>A]TCCGGCTGCGTCTGGAACACACGGGACACCCCGTTCCCACCAGCTCGGAGGGAGGCGTCC-3'
Protein context (NP_009185.2, residues 283-303): DSIFVGDAAG[Arg293Cys]PANWAPGRKK

ClinVar aggregate classification (germline): Uncertain significance (1 of 4 stars; one submission).

Conditions:
Ataxia - oculomotor apraxia type 4. Identifiers: Orphanet 459033, MedGen C4225397, MONDO:0014557, OMIM 616267.
Microcephaly, seizures, and developmental delay. Identifiers: Orphanet 1934, MedGen C3150667, MONDO:0013254, OMIM 613402.
Charcot-Marie-Tooth disease type 2B2 (CMT2B2). Also called: CHARCOT-MARIE-TOOTH DISEASE, NEURONAL, TYPE 2B2; CHARCOT-MARIE-TOOTH DISEASE, AXONAL, TYPE 2B2; Charcot-Marie-Tooth Neuropathy Type 2B2; CHARCOT-MARIE-TOOTH DISEASE, AXONAL, AUTOSOMAL RECESSIVE, TYPE 2B2. Identifiers: Orphanet 101101, MedGen C1854150, MONDO:0011570, OMIM 605589.

gnomAD v4.1: 2 of 1,613,628 alleles (0.00012%); highest among the groups gnomAD compares: East Asian, 0.0022%; no homozygotes.

Submission:

Juno Genomics, Hangzhou Juno Genomics, Inc
Classification: Uncertain significance for Charcot-Marie-Tooth disease type 2B2; Ataxia - oculomotor apraxia type 4; Microcephaly, seizures, and developmental delay. Review status: criteria provided, single submitter. Criteria: ACMG Guidelines, 2015. Collection method: clinical testing. Allele origin: germline.
Comment: Absent from controls (or at extremely low frequency if recessive) in Genome Aggregation Database.;Multiple lines of computational evidence support a deleterious effect on the gene or gene product.